The following is an entry in ClinVar:

ClinVar aggregate classification (germline): Uncertain significance. Review status: criteria provided, multiple submitters, no conflicts (2 of 4 stars). 2 submissions from 2 submitters: Uncertain significance (2). Last evaluated 2025-04-19.

Conditions:
Inborn genetic diseases. Identifiers: MedGen C0950123, MeSH D030342.
Autosomal recessive mendelian susceptibility to mycobacterial diseases due to complete RORgamma receptor deficiency. Also called: Immunodeficiency 42. Identifiers: Orphanet 477857, MedGen C5567647, MONDO:0014710, OMIM 616622.

Allele frequency attached by ClinVar (database versions not stated): gnomAD exomes 0.00001 and 0.00002; TOPMed 0.00001; gnomAD 0.00002.
gnomAD v4.1: 20 of 1,614,082 alleles (0.0012%); highest among the groups gnomAD compares: African/African-American, 0.004%; no homozygotes.

Submissions (2):

Ambry Genetics
Classification: Uncertain significance for Inborn genetic diseases. Last evaluated: 2025-04-19. Review status: criteria provided, single submitter. Criteria: Ambry Variant Classification Scheme 2023. Collection method: clinical testing. Allele origin: germline.

Labcorp Genetics (formerly Invitae), Labcorp
Classification: Uncertain significance for Autosomal recessive mendelian susceptibility to mycobacterial diseases due to complete RORgamma receptor deficiency. Last evaluated: 2023-07-07. Review status: criteria provided, single submitter. Criteria: Invitae Variant Classification Sherloc (09022015). Collection method: clinical testing. Allele origin: germline.
Comment: In summary, the available evidence is currently insufficient to determine the role of this variant in disease. Therefore, it has been classified as a Variant of Uncertain Significance. This sequence change replaces arginine, which is basic and polar, with glutamine, which is neutral and polar, at codon 208 of the RORC protein (p.Arg208Gln). This variant is present in population databases (rs199657854, gnomAD 0.004%). This variant has not been reported in the literature in individuals affected with RORC-related conditions. ClinVar contains an entry for this variant (Variation ID: 1040267). Algorithms developed to predict the effect of missense changes on protein structure and function output the following: SIFT: "Not Available"; PolyPhen-2: "Benign"; Align-GVGD: "Not Available". The glutamine amino acid residue is found in multiple mammalian species, which suggests that this missense change does not adversely affect protein function.

NM_005060.4(RORC):c.623G>A (p.Arg208Gln)

Gene: RORC (RAR related orphan receptor C; minus strand). Cytogenetic location: 1q21.3.
Variant type: single nucleotide variant.
Coding change: c.623G>A on transcript NM_005060.4 (MANE Select); coding-DNA position 623, G replaced by A.
Protein change: p.Arg208Gln; replaces arginine 208 with glutamine.
Molecular consequence: missense variant.
Genome position (GRCh38, 1-based): chr1:151,815,101, C>T on the plus strand (G>A on the coding strand, the complement: RORC is on the minus strand). VCF-style: chr1-151815101-C-T. GRCh37 (hg19) VCF-style: chr1-151787577-C-T.
Other names: c.560G>A, p.Arg187Gln (NM_001001523.2); c.623G>A (NM_005060.3); short protein forms R187Q, R208Q.
Identifiers: ClinVar variation 1040267 (VCV001040267.9), dbSNP rs199657854, ClinGen allele CA30498330.
Genomic context (GRCh38, chr1:151,815,101, plus strand): 5'-CGGTCAGGGGTCAGCTGGCTGCCTGTGCTATAGAAGCTCTCTCTGCCCTCAGCCTTGCCC[C>T]GCTCAGGGCTGTATTCAAGGTGGCATGAGGCCCCATTGAGCCCTGCCTTGGCCAAGTTGT-3'
Protein context (NP_005051.2, residues 198-218): ASCHLEYSPE[Arg208Gln]GKAEGRESFY